The following is an entry in ClinVar:

NM_022367.4(SEMA4A):c.97G>A (p.Gly33Arg)

Gene: SEMA4A (semaphorin 4A; plus strand). Cytogenetic location: 1q22.
Variant type: single nucleotide variant.
Coding change: c.97G>A on transcript NM_022367.4 (MANE Select); coding-DNA position 97, G replaced by A.
Protein change: p.Gly33Arg; replaces glycine 33 with arginine.
Molecular consequence: missense variant. On other transcripts: 5 prime UTR variant (1), intron variant (3).
Genome position (GRCh38, 1-based): chr1:156,154,675, G>A. VCF-style: chr1-156154675-G-A. GRCh37 (hg19) VCF-style: chr1-156124466-G-A.
Other names: c.97G>A, p.Gly33Arg (NM_001193300.2, NM_001193301.2, NM_001370567.1); c.-428G>A (NM_001370571.1); c.-385-1739G>A (NM_001370569.1); c.-158-1739G>A (NM_001370568.1); c.-159+911G>A (NM_001193302.2); short protein forms G33R.
Identifiers: ClinVar variation 1387883 (VCV001387883.30), dbSNP rs753853752, ClinGen allele CA1154906.
Genomic context (GRCh38, chr1:156,154,675, plus strand): 5'-CTCCTGGGCCTTTTCCTCTTCCAACTGCTTCAGCTGCTGCTGCCGACGACGACCGCGGGG[G>A]GAGGCGGGCAGGGGCCCATGCCCAGGGTCAGATACTATGCAGGTAAGTGTCCGACAGCAG-3'
Protein context (NP_071762.2, residues 23-43): QLLLPTTTAG[Gly33Arg]GGQGPMPRVR

ClinVar aggregate classification (germline): Conflicting classifications of pathogenicity. Review status: criteria provided, conflicting classifications (1 of 4 stars). 3 submissions from 3 submitters: Uncertain significance (2); Likely benign (1). Last evaluated 2025-09-14.

Allele frequency attached by ClinVar (database versions not stated): ExAC 0.00002; gnomAD exomes 0.00003 and 0.00005; gnomAD 0.00005 and 0.00007; TOPMed 0.00009.

Submissions (3):

Labcorp Genetics (formerly Invitae), Labcorp
Classification: Uncertain significance. Last evaluated: 2025-09-14. Review status: criteria provided, single submitter. Criteria: Invitae Variant Classification Sherloc (09022015). Collection method: clinical testing. Allele origin: germline.
Comment: This sequence change replaces glycine, which is neutral and non-polar, with arginine, which is basic and polar, at codon 33 of the SEMA4A protein (p.Gly33Arg). This variant is present in population databases (rs753853752, gnomAD 0.005%). This variant has not been reported in the literature in individuals affected with SEMA4A-related conditions. ClinVar contains an entry for this variant (Variation ID: 1387883). An algorithm developed to predict the effect of missense changes on protein structure and function (PolyPhen-2) suggests that this variant is likely to be tolerated. In summary, the available evidence is currently insufficient to determine the role of this variant in disease. Therefore, it has been classified as a Variant of Uncertain Significance.

Blueprint Genetics
Classification: Uncertain significance. Last evaluated: 2024-10-23. Review status: criteria provided, single submitter. Criteria: ACMG Guidelines, 2015. Collection method: clinical testing. Allele origin: germline.

CeGaT Center for Human Genetics Tuebingen
Classification: Likely benign. Last evaluated: 2022-11-01. Review status: criteria provided, single submitter. Criteria: CeGaT Center For Human Genetics Tuebingen Variant Classification Criteria Version 2. Collection method: clinical testing. Allele origin: germline. Affected: yes. Observed: 1 variant allele.
Comment: SEMA4A: BP4